The following is an entry in ClinVar:

NM_013266.4(CTNNA3):c.1883G>C (p.Arg628Pro)

Gene: CTNNA3 (catenin alpha 3; minus strand). Cytogenetic location: 10q21.3.
Variant type: single nucleotide variant.
Coding change: c.1883G>C on transcript NM_013266.4 (MANE Select); coding-DNA position 1883, G replaced by C.
Protein change: p.Arg628Pro; replaces arginine 628 with proline.
Molecular consequence: missense variant.
Genome position (GRCh38, 1-based): chr10:66,280,471, C>G on the plus strand (G>C on the coding strand, the complement: CTNNA3 is on the minus strand). VCF-style: chr10-66280471-C-G. GRCh37 (hg19) VCF-style: chr10-68040229-C-G.
Other names: c.1883G>C, p.Arg628Pro (NM_001127384.3); short protein forms R628P.
Identifiers: ClinVar variation 3652244 (VCV003652244.2).
Genomic context (GRCh38, chr10:66,280,471, plus strand): 5'-AGGCATTCCAGATGGTGAAGAACATTGCAATAATTCAATGGAAGGAAAAGCAAACTTACC[C>G]GAATCATCATGACTGAACATCTGATATCATGAATTGTATCATAGATCTTCTTTGAGATGT-3'
Protein context (NP_037398.2, residues 618-638): HDIRCSVMMI[Arg628Pro]TPEELEDVSD

ClinVar aggregate classification (germline): Uncertain significance (1 of 4 stars; one submission).

Conditions:
Arrhythmogenic right ventricular dysplasia 13. Also called: ARRHYTHMOGENIC RIGHT VENTRICULAR CARDIOMYOPATHY 13; Arrhythmogenic right ventricular dysplasia, familial, 13. Identifiers: MedGen C3810138, MONDO:0000908, OMIM 615616.

gnomAD v4.1: 1 of 1,601,188 alleles (0.000062%); highest among the groups gnomAD compares: Non-Finnish European, 0.000085%; no homozygotes.

Submission:

Labcorp Genetics (formerly Invitae), Labcorp
Classification: Uncertain significance for Arrhythmogenic right ventricular dysplasia 13. Last evaluated: 2024-05-06. Review status: criteria provided, single submitter. Criteria: Invitae Variant Classification Sherloc (09022015). Collection method: clinical testing. Allele origin: germline.
Comment: This sequence change replaces arginine, which is basic and polar, with proline, which is neutral and non-polar, at codon 628 of the CTNNA3 protein (p.Arg628Pro). This variant is present in population databases (no rsID available, gnomAD 0.0009%). This variant has not been reported in the literature in individuals affected with CTNNA3-related conditions. Experimental studies and prediction algorithms are not available or were not evaluated, and the functional significance of this variant is currently unknown. In summary, the available evidence is currently insufficient to determine the role of this variant in disease. Therefore, it has been classified as a Variant of Uncertain Significance.